The following is an entry in ClinVar:

NM_001376.5(DYNC1H1):c.12514-12T>C

Gene: DYNC1H1 (dynein cytoplasmic 1 heavy chain 1; plus strand). Cytogenetic location: 14q32.31.
Variant type: single nucleotide variant.
Coding change: c.12514-12T>C on transcript NM_001376.5 (MANE Select); 12 bases into the intron before coding-DNA position 12514, T replaced by C.
Molecular consequence: intron variant.
Genome position (GRCh38, 1-based): chr14:102,043,863, T>C. VCF-style: chr14-102043863-T-C. GRCh37 (hg19) VCF-style: chr14-102510200-T-C.
Identifiers: ClinVar variation 508762 (VCV000508762.5), dbSNP rs781162443, ClinGen allele CA7353962.
Genomic context (GRCh38, chr14:102,043,863, plus strand): 5'-CCTGGCATCTGCACTGTTCTTGGCGAAGTGCTGTTTTCTAATGACTCTGTGCTTGGTCAC[T>C]TTCCTCACCAGTCTCCCAACGAGCGTGCCCGCTTGTACTTCCTGCTGGCCTGGTTTCATG-3'

ClinVar aggregate classification (germline): Likely benign. Review status: criteria provided, multiple submitters, no conflicts (2 of 4 stars). 2 submissions from 2 submitters: Likely benign (2). Last evaluated 2024-03-03.

Conditions:
Charcot-Marie-Tooth disease axonal type 2O. Also called: Charcot-Marie-Tooth Neuropathy Type 2O; Charcot-Marie-Tooth disease, axonal, type 20; CHARCOT-MARIE-TOOTH NEUROPATHY, AXONAL, TYPE 2O; CHARCOT-MARIE-TOOTH DISEASE, AXONAL, AUTOSOMAL DOMINANT, TYPE 2O. Identifiers: Orphanet 284232, MedGen C3280220, MONDO:0013644, OMIM 614228.

Allele frequency attached by ClinVar (database versions not stated): gnomAD 0.00001; gnomAD exomes 0.00001; ExAC 0.00002; TOPMed 0.00002.
gnomAD v4.1: 20 of 1,614,082 alleles (0.0012%); highest among the groups gnomAD compares: Non-Finnish European, 0.0016%; no homozygotes.

Submissions (2):

Labcorp Genetics (formerly Invitae), Labcorp
Classification: Likely benign for Charcot-Marie-Tooth disease axonal type 2O. Last evaluated: 2024-03-03. Review status: criteria provided, single submitter. Criteria: Invitae Variant Classification Sherloc (09022015). Collection method: clinical testing. Allele origin: germline.

GeneDx
Classification: Likely benign. Last evaluated: 2017-04-11. Review status: criteria provided, single submitter. Criteria: GeneDx Variant Classification (06012015). Collection method: clinical testing. Allele origin: germline. Affected: yes.
Comment: This variant is considered likely benign or benign based on one or more of the following criteria: it is a conservative change, it occurs at a poorly conserved position in the protein, it is predicted to be benign by multiple in silico algorithms, and/or has population frequency not consistent with disease.